The following is an entry in ClinVar:

NM_001367534.1(CAMK2G):c.903+9C>T

Gene: CAMK2G (calcium/calmodulin dependent protein kinase II gamma; minus strand). Cytogenetic location: 10q22.2.
Variant type: single nucleotide variant.
Coding change: c.903+9C>T on transcript NM_001367534.1 (MANE Select); 9 bases into the intron after coding-DNA position 903, C replaced by T.
Molecular consequence: intron variant.
Genome position (GRCh38, 1-based): chr10:73,842,449, G>A on the plus strand (C>T on the coding strand, the complement: CAMK2G is on the minus strand). VCF-style: chr10-73842449-G-A. GRCh37 (hg19) VCF-style: chr10-75602207-G-A.
Other names: c.879+9C>T (NM_001367532.1, NM_001367525.1, NM_001367514.1); c.591+9C>T (NM_001367537.1, NM_001367538.1); c.657+9C>T (NM_001367539.1, NM_001367524.1); c.903+9C>T (NM_001222.4, NM_001367545.1, NM_172173.3 and 28 more transcripts); c.150+9C>T (NM_001367542.1); c.237+9C>T (NM_001367540.1).
Identifiers: ClinVar variation 3057701 (VCV003057701.2), dbSNP rs201295644, ClinGen allele CA5561935.

ClinVar aggregate classification (germline): Likely benign (0 of 4 stars; one submission).

Conditions:
CAMK2G-related disorder. Also called: CAMK2G-related condition.

Allele frequency attached by ClinVar (database versions not stated): gnomAD 0.00012; TOPMed 0.00012; ExAC 0.00019; ESP Exome Variant Server 0.00023.
gnomAD v4.1: 237 of 1,602,520 alleles (0.015%); highest among the groups gnomAD compares: Non-Finnish European, 0.018%; no homozygotes.

Submission:

PreventionGenetics, part of Exact Sciences
Classification: Likely benign for CAMK2G-related condition. Last evaluated: 2019-03-25. Review status: no assertion criteria provided. Collection method: clinical testing. Allele origin: germline.
Comment: This variant is classified as likely benign based on ACMG/AMP sequence variant interpretation guidelines (Richards et al. 2015 PMID: 25741868, with internal and published modifications).